The following is an entry in ClinVar:

NM_000535.7(PMS2):c.2006G>T (p.Ser669Ile)

Gene: PMS2 (PMS1 homolog 2, mismatch repair system component; minus strand). Cytogenetic location: 7p22.1.
Variant type: single nucleotide variant.
Coding change: c.2006G>T on transcript NM_000535.7 (MANE Select); coding-DNA position 2006, G replaced by T.
Protein change: p.Ser669Ile; replaces serine 669 with isoleucine.
Molecular consequence: missense variant. On other transcripts: non-coding transcript variant (1).
Genome position (GRCh38, 1-based): chr7:5,986,759, C>A on the plus strand (G>T on the coding strand, the complement: PMS2 is on the minus strand). VCF-style: chr7-5986759-C-A. GRCh37 (hg19) VCF-style: chr7-6026390-C-A.
Other names: c.2030G>T, p.Ser677Ile (NM_001406868.1); c.1898G>T, p.Ser633Ile (NM_001406869.1); c.1850G>T, p.Ser617Ile (NM_001406870.1, NM_001322006.2); c.2006G>T, p.Ser669Ile (NM_001406871.1, NM_001322014.2); c.2006G>T, p.Arg669Ile (NM_001406872.1); c.1808G>T, p.Ser603Ile (NM_001406873.1); c.1838G>T, p.Ser613Ile (NM_001406874.1); c.1697G>T, p.Ser566Ile (NM_001406875.1, NM_001406877.1, NM_001322015.2 and 5 more transcripts); and 15 more; short protein forms S412I, S498I, S534I, S563I, S633I, S677I, R534I, S358I.
Identifiers: ClinVar variation 1784327 (VCV001784327.3), dbSNP rs1417552718, ClinGen allele CA366738846.

ClinVar aggregate classification (germline): Uncertain significance (1 of 4 stars; one submission).

Conditions:
Hereditary cancer-predisposing syndrome. Also called: Tumor predisposition; Hereditary Cancer Syndrome; Hereditary neoplastic syndrome; Neoplastic Syndromes, Hereditary. Identifiers: Orphanet 140162, MedGen C0027672, MeSH D009386, MONDO:0015356.

Submission:

Ambry Genetics
Classification: Uncertain significance for Hereditary cancer-predisposing syndrome. Last evaluated: 2026-02-13. Review status: criteria provided, single submitter. Criteria: Ambry Variant Classification Scheme 2023. Collection method: clinical testing. Allele origin: germline.
Comment: The p.S669I variant (also known as c.2006G>T), located in coding exon 11 of the PMS2 gene, results from a G to T substitution at nucleotide position 2006. The amino acid change results in serine to isoleucine at codon 669, an amino acid with dissimilar properties. However, this change occurs in the last base pair of coding exon 11, which makes it likely to have some effect on normal mRNA splicing. This nucleotide position is highly conserved in available vertebrate species. This amino acid position is well conserved in available vertebrate species. In silico splice site analysis predicts that this alteration will weaken the native splice donor site. In addition, as a missense substitution this is predicted to be inconclusive by in silico analysis. Since supporting evidence is limited at this time, the clinical significance of this alteration remains unclear.